The following is an entry in ClinVar:

ClinVar aggregate classification (germline): Uncertain significance (1 of 4 stars; one submission).

Allele frequency attached by ClinVar (database versions not stated): ESP Exome Variant Server 0.00088; TOPMed 0.00151; 1000 Genomes Project 30x 0.00172; 1000 Genomes Project 0.00180.
gnomAD v4.1: 481 of 1,600,136 alleles (0.03%); highest among the groups gnomAD compares: African/African-American, 0.55%; 3 homozygotes.

Submission:

Labcorp Genetics (formerly Invitae), Labcorp
Classification: Uncertain significance. Last evaluated: 2022-10-17. Review status: criteria provided, single submitter. Criteria: Invitae Variant Classification Sherloc (09022015). Collection method: clinical testing. Allele origin: germline.
Comment: This sequence change replaces arginine, which is basic and polar, with histidine, which is basic and polar, at codon 687 of the C7 protein (p.Arg687His). This variant is present in population databases (rs113187203, gnomAD 0.5%), and has an allele count higher than expected for a pathogenic variant. This missense change has been observed in individual(s) with complement component C7 deficiency (PMID: 9856499). ClinVar contains an entry for this variant (Variation ID: 1034945). Advanced modeling of protein sequence and biophysical properties (such as structural, functional, and spatial information, amino acid conservation, physicochemical variation, residue mobility, and thermodynamic stability) performed at Invitae indicates that this missense variant is not expected to disrupt C7 protein function. In summary, the available evidence is currently insufficient to determine the role of this variant in disease. Therefore, it has been classified as a Variant of Uncertain Significance.

Literature cited by the submitters: PubMed 9856499.

NM_000587.4(C7):c.2060G>A (p.Arg687His)

Gene: C7 (complement C7; plus strand). Cytogenetic location: 5p13.1.
Variant type: single nucleotide variant.
Coding change: c.2060G>A on transcript NM_000587.4 (MANE Select); coding-DNA position 2060, G replaced by A.
Protein change: p.Arg687His; replaces arginine 687 with histidine.
Molecular consequence: missense variant.
Genome position (GRCh38, 1-based): chr5:40,972,580, G>A. VCF-style: chr5-40972580-G-A. GRCh37 (hg19) VCF-style: chr5-40972682-G-A.
Other names: short protein forms R687H.
Identifiers: ClinVar variation 1034945 (VCV001034945.4), dbSNP rs113187203, ClinGen allele CA3250181.